The following is an entry in ClinVar:

NM_002834.5(PTPN11):c.1045A>G (p.Asn349Asp)

Gene: PTPN11 (protein tyrosine phosphatase non-receptor type 11; plus strand). Cytogenetic location: 12q24.13.
Variant type: single nucleotide variant.
Coding change: c.1045A>G on transcript NM_002834.5 (MANE Select); coding-DNA position 1045, A replaced by G.
Protein change: p.Asn349Asp; replaces asparagine 349 with aspartic acid.
Molecular consequence: missense variant.
Genome position (GRCh38, 1-based): chr12:112,477,968, A>G. VCF-style: chr12-112477968-A-G. GRCh37 (hg19) VCF-style: chr12-112915772-A-G.
Other names: c.1045A>G, p.Asn349Asp (NM_001330437.2, NM_080601.3); c.1042A>G, p.Asn348Asp (NM_001374625.1); short protein forms N348D, N349D.
Identifiers: ClinVar variation 3149061 (VCV003149061.5), dbSNP rs1032908020, ClinGen allele CA243712035.

ClinVar aggregate classification (germline): Uncertain significance. Review status: criteria provided, multiple submitters, no conflicts (2 of 4 stars). 3 submissions from 3 submitters: Uncertain significance (3). Last evaluated 2026-04-28.

Conditions:
Cardiovascular phenotype. Identifiers: MedGen CN230736.
RASopathy. Also called: rasopathies; Noonan spectrum disorder. Identifiers: Orphanet 536391, MedGen C5555857, MONDO:0021060.

Allele frequency attached by ClinVar (database versions not stated): gnomAD exomes below 0.00001; TOPMed below 0.00001.
gnomAD v4.1: 5 of 1,614,160 alleles (0.00031%); highest among the groups gnomAD compares: South Asian, 0.0011%; no homozygotes.

Submissions (3):

Ambry Genetics
Classification: Uncertain significance for Cardiovascular phenotype. Last evaluated: 2026-04-28. Review status: criteria provided, single submitter. Criteria: Ambry Variant Classification Scheme 2023. Collection method: clinical testing. Allele origin: germline.
Comment: The p.N349D variant (also known as c.1045A>G), located in coding exon 9 of the PTPN11 gene, results from an A to G substitution at nucleotide position 1045. The asparagine at codon 349 is replaced by aspartic acid, an amino acid with highly similar properties. This amino acid position is conserved. In addition, the in silico prediction for this alteration is inconclusive. Based on the available evidence, the clinical significance of this variant remains unclear.

Labcorp Genetics (formerly Invitae), Labcorp
Classification: Uncertain significance for RASopathy. Last evaluated: 2025-11-09. Review status: criteria provided, single submitter. Criteria: Invitae Variant Classification Sherloc (09022015). Collection method: clinical testing. Allele origin: germline.
Comment: This sequence change replaces asparagine, which is neutral and polar, with aspartic acid, which is acidic and polar, at codon 349 of the PTPN11 protein (p.Asn349Asp). This variant is present in population databases (no rsID available, gnomAD no frequency). This variant has not been reported in the literature in individuals affected with PTPN11-related conditions. ClinVar contains an entry for this variant (Variation ID: 3149061). Invitae Evidence Modeling of protein sequence and biophysical properties (such as structural, functional, and spatial information, amino acid conservation, physicochemical variation, residue mobility, and thermodynamic stability) has been performed for this missense variant. However, the output from this modeling did not meet the statistical confidence thresholds required to predict the impact of this variant on PTPN11 protein function. In summary, the available evidence is currently insufficient to determine the role of this variant in disease. Therefore, it has been classified as a Variant of Uncertain Significance.

Blueprint Genetics
Classification: Uncertain significance. Last evaluated: 2017-08-11. Review status: criteria provided, single submitter. Criteria: ACMG Guidelines, 2015. Collection method: clinical testing. Allele origin: germline.